The following is an entry in ClinVar:

ClinVar aggregate classification (germline): Uncertain significance (0 of 4 stars; one submission).

Conditions:
LMO7-related disorder. Also called: LMO7-related condition.

Submission:

PreventionGenetics, part of Exact Sciences
Classification: Uncertain significance for LMO7-related condition. Last evaluated: 2024-09-18. Review status: no assertion criteria provided. Collection method: clinical testing. Allele origin: germline.
Comment: The LMO7 c.283_295del13 variant is predicted to result in a frameshift and premature protein termination (p.Asp95Tyrfs*16). To our knowledge, this variant has not been reported in the literature. This variant is reported in 1.3% of alleles in individuals of Ashkenazi Jewish descent in gnomAD, including two homozygotes. At this time, the clinical significance of this variant is uncertain due to the absence of conclusive functional and genetic evidence.

NM_001306080.2(LMO7):c.283_295del (p.Asp95fs)

Gene: LMO7 (LIM domain 7; plus strand). Cytogenetic location: 13q22.2.
Variant type: Deletion.
Coding change: c.283_295del on transcript NM_001306080.2 (MANE Select); coding-DNA positions 283 to 295, 13 bases deleted (GATCTACAGGATT).
Protein change: p.Asp95fs; shifts the reading frame from aspartic acid 95.
Molecular consequence: frameshift variant. On other transcripts: 5 prime UTR variant (5).
Genome position (GRCh38, 1-based): chr13:75,761,004-75,761,016, GATCTACAGGATT deleted. VCF-style (leftmost placement, unchanged base first): chr13-75761003-AGATCTACAGGATT-A. GRCh37 (hg19) VCF-style: chr13-76335139-AGATCTACAGGATT-A.
Other names: c.-417_-405del (NM_001330583.1, NM_001366632.2, NM_001366634.2 and 2 more transcripts); c.157_169del, p.Asp53fs (NM_001366633.2); c.439_451del, p.Asp147fs (NM_005358.5); short protein forms D147fs, D53fs, D95fs.
Identifiers: ClinVar variation 3355591 (VCV003355591.1).